The following is an entry in ClinVar:

NM_032656.4(DHX37):c.3155_3157del (p.Val1052del)

Gene: DHX37 (DEAH-box helicase 37; minus strand). Cytogenetic location: 12q24.31.
Variant type: Deletion.
Coding change: c.3155_3157del on transcript NM_032656.4 (MANE Select); coding-DNA positions 3155 to 3157, 3 bases deleted (TGG; older notation c.3155_3157delTGG).
Protein change: p.Val1052del; deletes valine 1052.
Molecular consequence: inframe deletion.
Genome position (GRCh38, 1-based): chr12:124,950,208-124,950,210, CCA deleted on the plus strand (TGG on the coding strand, the reverse complement: DHX37 is on the minus strand); deleting any 3 consecutive bases within chr12:124,950,208-124,950,212 gives the same sequence; the c. name uses the placement nearest the transcript's 3' end. VCF-style (leftmost placement, unchanged base first): chr12-124950207-TCCA-T. GRCh37 (hg19) VCF-style: chr12-125434753-TCCA-T.
Other names: short protein forms V1052del.
Identifiers: ClinVar variation 4716058 (VCV004716058.1).
Genomic context (GRCh38, chr12:124,950,207, plus strand): 5'-ACCTGCCCTTCCAGCAGGAACCGGGCAAAGTGCTTGTAGCGGTCAATCCCCTCTGGAAAA[TCCA>T]CCTCGATGGCGGGGAGCGGCCAGCCCACGCGATCTAGAAGGTGGGAGCCAGTGAGACAGG-3'

ClinVar aggregate classification (germline): Uncertain significance (1 of 4 stars; one submission).

Submission:

Labcorp Genetics (formerly Invitae), Labcorp
Classification: Uncertain significance. Last evaluated: 2025-04-02. Review status: criteria provided, single submitter. Criteria: Invitae Variant Classification Sherloc (09022015). Collection method: clinical testing. Allele origin: germline.
Comment: This variant, c.3155_3157del, results in the deletion of 1 amino acid(s) of the DHX37 protein (p.Val1052del), but otherwise preserves the integrity of the reading frame. This variant is not present in population databases (gnomAD no frequency). This variant has not been reported in the literature in individuals affected with DHX37-related conditions. Experimental studies and prediction algorithms are not available or were not evaluated, and the functional significance of this variant is currently unknown. In summary, the available evidence is currently insufficient to determine the role of this variant in disease. Therefore, it has been classified as a Variant of Uncertain Significance.